The following is an entry in ClinVar:

ClinVar aggregate classification (germline): Uncertain significance (1 of 4 stars; one submission).

Conditions:
Cardiovascular phenotype. Identifiers: MedGen CN230736.

Submission:

Molecular Diagnostic Laboratory for Inherited Cardiovascular Disease, Montreal Heart Institute
Classification: Uncertain significance for Cardiovascular phenotype. Last evaluated: 2025-07-24. Review status: criteria provided, single submitter. Criteria: ACMG Guidelines, 2015. Collection method: clinical testing. Allele origin: germline. Affected: yes.
Comment: PVS1_mod, PM2

NM_001316320.2:c.(76+1_77-1)_(217+1_218-1)dup

Gene: PLOD1 (procollagen-lysine,2-oxoglutarate 5-dioxygenase 1; plus strand).
Variant type: Duplication.
Other names: c.(76+1_77-1)_(217+1_218-1)dup (NM_001316320.2).
Identifiers: ClinVar variation 4076491 (VCV004076491.1).